The following is an entry in ClinVar:

ClinVar aggregate classification (germline): Uncertain significance. Review status: criteria provided, multiple submitters, no conflicts (2 of 4 stars). 3 submissions from 3 submitters: Uncertain significance (3). Last evaluated 2025-09-10.

gnomAD v4.1: 1 of 1,613,824 alleles (0.000062%); highest among the groups gnomAD compares: Admixed American, 0.0017%; no homozygotes.

Submissions (3):

Labcorp Genetics (formerly Invitae), Labcorp
Classification: Uncertain significance. Last evaluated: 2025-09-10. Review status: criteria provided, single submitter. Criteria: Invitae Variant Classification Sherloc (09022015). Collection method: clinical testing. Allele origin: germline.
Comment: This sequence change replaces threonine, which is neutral and polar, with arginine, which is basic and polar, at codon 262 of the TBX20 protein (p.Thr262Arg). This variant is not present in population databases (gnomAD no frequency). This variant has not been reported in the literature in individuals affected with TBX20-related conditions. ClinVar contains an entry for this variant (Variation ID: 445561). Invitae Evidence Modeling of protein sequence and biophysical properties (such as structural, functional, and spatial information, amino acid conservation, physicochemical variation, residue mobility, and thermodynamic stability) indicates that this missense variant is expected to disrupt TBX20 protein function with a positive predictive value of 80%. In summary, the available evidence is currently insufficient to determine the role of this variant in disease. Therefore, it has been classified as a Variant of Uncertain Significance.

GeneDx
Classification: Uncertain significance. Last evaluated: 2022-04-08. Review status: criteria provided, single submitter. Criteria: GeneDx Variant Classification Process June 2021. Collection method: clinical testing. Allele origin: germline. Affected: yes.
Comment: Not observed at significant frequency in large population cohorts (gnomAD); In silico analysis supports that this missense variant has a deleterious effect on protein structure/function; Has not been previously published as pathogenic or benign to our knowledge

Center for Pediatric Genomic Medicine, Children's Mercy Hospital and Clinics
Classification: Uncertain significance. Last evaluated: 2017-07-24. Review status: criteria provided, single submitter. Criteria: ACMG Guidelines, 2015. Collection method: clinical testing. Allele origin: germline.

NM_001077653.2(TBX20):c.785C>G (p.Thr262Arg)

Gene: TBX20 (T-box transcription factor 20; minus strand). Cytogenetic location: 7p14.2.
Variant type: single nucleotide variant.
Coding change: c.785C>G on transcript NM_001077653.2 (MANE Select); coding-DNA position 785, C replaced by G.
Protein change: p.Thr262Arg; replaces threonine 262 with arginine.
Molecular consequence: missense variant.
Genome position (GRCh38, 1-based): chr7:35,240,907, G>C on the plus strand (C>G on the coding strand, the complement: TBX20 is on the minus strand). VCF-style: chr7-35240907-G-C. GRCh37 (hg19) VCF-style: chr7-35280519-G-C.
Other names: c.785C>G, p.Thr262Arg (LRG_755t1, NM_001166220.1); short protein forms T262R.
Identifiers: ClinVar variation 445561 (VCV000445561.9), dbSNP rs747369702, ClinGen allele CA367263939.